The following is an entry in ClinVar:

NM_001184880.2(PCDH19):c.965G>A (p.Gly322Glu)

Gene: PCDH19 (protocadherin 19; minus strand). Cytogenetic location: Xq22.1.
Variant type: single nucleotide variant.
Coding change: c.965G>A on transcript NM_001184880.2 (MANE Select); coding-DNA position 965, G replaced by A.
Protein change: p.Gly322Glu; replaces glycine 322 with glutamic acid.
Molecular consequence: missense variant.
Genome position (GRCh38, 1-based): chrX:100,407,633, C>T on the plus strand (G>A on the coding strand, the complement: PCDH19 is on the minus strand). VCF-style: chrX-100407633-C-T. GRCh37 (hg19) VCF-style: chrX-99662631-C-T.
Other names: c.965G>A, p.Gly322Glu (NM_001105243.2, NM_020766.3); short protein forms G322E.
Identifiers: ClinVar variation 3775313 (VCV003775313.1).
Genomic context (GRCh38, chrX:100,407,633, plus strand): 5'-TTGTCATTGGTGTCCAGCACGCTGACGGTGACCTTGCAGTGTGCCGGGATGGAATTGGGC[C>T]CCAAGTCCTTAGCCTGCACGTCCAGTTCGTACACGTGCCCCTCTTCGTAGTCTAAAGCGC-3'
Protein context (NP_001171809.1, residues 312-332): YELDVQAKDL[Gly322Glu]PNSIPAHCKV

ClinVar aggregate classification (germline): Uncertain significance (1 of 4 stars; one submission).

Conditions:
Developmental and epileptic encephalopathy, 9 (DEE9). Also called: EPILEPSY, FEMALE-RESTRICTED, WITH MENTAL RETARDATION; JUBERG-HELLMAN SYNDROME; PCDH19-Related X-Linked Female-Limited Epilepsy with Mental Retardation; Early infantile epileptic encephalopathy 9. Identifiers: Orphanet 101039, Orphanet 2076, MedGen C1848137, MONDO:0010246, OMIM 300088. Disease mechanism: loss of function.

Submission:

3billion
Classification: Uncertain significance for Developmental and epileptic encephalopathy, 9. Last evaluated: 2023-10-19. Review status: criteria provided, single submitter. Criteria: ACMG Guidelines, 2015. Collection method: clinical testing. Allele origin: germline. Affected: yes.
Comment: The variant is not observed in the gnomAD v2.1.1 dataset. Predicted Consequence/Location: Missense variant In silico tool predictions suggest damaging effect of the variant on gene or gene product [REVEL: 0.82 (>=0.6, sensitivity 0.68 and specificity 0.92); 3Cnet: 0.83 (>=0.6, sensitivity 0.72 and precision 0.9)]. A different missense change at the same codon (p.Gly322Arg) has been reported to be associated with PCDH19 related disorder (PMID: 27527380). However the evidence of pathogenicity is insufficient at this time. Therefore, this variant is classified as VUS according to the recommendation of ACMG/AMP guideline.

Literature cited by the submitters: PubMed 27527380.